The following is an entry in ClinVar:

ClinVar aggregate classification (germline): Uncertain significance (1 of 4 stars; one submission).

Submission:

Labcorp Genetics (formerly Invitae), Labcorp
Classification: Uncertain significance. Last evaluated: 2026-01-06. Review status: criteria provided, single submitter. Criteria: Invitae Variant Classification Sherloc (09022015). Collection method: clinical testing. Allele origin: germline.
Comment: This sequence change falls in intron 106 of the HMCN1 gene. It does not directly change the encoded amino acid sequence of the HMCN1 protein. It affects a nucleotide within the consensus splice site. This variant is present in population databases (no rsID available, gnomAD 0.002%). This variant has not been reported in the literature in individuals affected with HMCN1-related conditions. ClinVar contains an entry for this variant (Variation ID: 1988753). Variants that disrupt the consensus splice site are a relatively common cause of aberrant splicing (PMID: 17576681, 9536098). Algorithms developed to predict the effect of sequence changes on RNA splicing suggest that this variant is not likely to affect RNA splicing. In summary, the available evidence is currently insufficient to determine the role of this variant in disease. Therefore, it has been classified as a Variant of Uncertain Significance.

Literature cited by the submitters: PubMed 17576681; PubMed 9536098.

NM_031935.3(HMCN1):c.16541+3_16541+4dup

Genes: HMCN1 (hemicentin 1; plus strand), LOC126805953 (P300/CBP strongly-dependent group 1 enhancer GRCh37_chr1:186156636-186157835; plus strand). Cytogenetic location: 1q31.1.
Variant type: Duplication.
Coding change: c.16541+3_16541+4dup on transcript NM_031935.3 (MANE Select); bases 3 to 4 of the intron after coding-DNA position 16541, 2 bases duplicated (AT; older notation c.16541+3_16541+4dupAT).
Molecular consequence: splice donor variant.
Genome position (GRCh38, 1-based): chr1:186,188,012-186,188,013, AT duplicated; duplicating any 2 consecutive bases within chr1:186,188,011-186,188,013 gives the same sequence; the c. name uses the placement nearest the transcript's 3' end. VCF-style (leftmost placement, unchanged base first): chr1-186188010-G-GTA. GRCh37 (hg19) VCF-style: chr1-186157142-G-GTA.
Identifiers: ClinVar variation 1988753 (VCV001988753.4), dbSNP rs1195749000, ClinGen allele CA527671549.